The following is an entry in ClinVar:

NM_016023.5(OTUD6B):c.372T>C (p.Ile124=)

Gene: OTUD6B (OTU deubiquitinase 6B; plus strand). Cytogenetic location: 8q21.3.
Variant type: single nucleotide variant.
Coding change: c.372T>C on transcript NM_016023.5 (MANE Select); coding-DNA position 372, T replaced by C.
Protein change: p.Ile124=; no amino-acid change (isoleucine 124 retained).
Molecular consequence: synonymous variant.
Genome position (GRCh38, 1-based): chr8:91,078,412, T>C. VCF-style: chr8-91078412-T-C. GRCh37 (hg19) VCF-style: chr8-92090640-T-C.
Other names: c.69T>C, p.Ile23= (NM_001286745.3).
Identifiers: ClinVar variation 747799 (VCV000747799.5), dbSNP rs370719791, ClinGen allele CA4804765.

ClinVar aggregate classification (germline): Likely benign. Review status: criteria provided, single submitter (1 of 4 stars). 2 submissions from 2 submitters: Likely benign (1). 1 of the submissions does not count toward it. Last evaluated 2018-04-09.

Conditions:
OTUD6B-related disorder. Also called: OTUD6B-related condition.

Allele frequency attached by ClinVar (database versions not stated): gnomAD exomes 0.00001; TOPMed 0.00001; ExAC 0.00004; ESP Exome Variant Server 0.00008.
gnomAD v4.1: 16 of 1,596,670 alleles (0.001%); highest among the groups gnomAD compares: Non-Finnish European, 0.0014%; no homozygotes.

Submissions (2):

Labcorp Genetics (formerly Invitae), Labcorp
Classification: Likely benign. Last evaluated: 2018-04-09. Review status: criteria provided, single submitter. Criteria: Invitae Variant Classification Sherloc (09022015). Collection method: clinical testing. Allele origin: germline.

PreventionGenetics, part of Exact Sciences
Classification: Likely benign for OTUD6B-related condition. Last evaluated: 2019-03-28. Review status: no assertion criteria provided. Collection method: clinical testing. Allele origin: germline. Not counted in ClinVar's aggregate classification.
Comment: This variant is classified as likely benign based on ACMG/AMP sequence variant interpretation guidelines (Richards et al. 2015 PMID: 25741868, with internal and published modifications).